The following is an entry in ClinVar:

ClinVar aggregate classification (germline): Uncertain significance (1 of 4 stars; one submission).

Conditions:
Neurodevelopmental disorder with or without anomalies of the brain, eye, or heart (NEDBEH). Identifiers: Orphanet 494344, MedGen C5567477, MONDO:0014857, OMIM 616975.

Allele frequency attached by ClinVar (database versions not stated): gnomAD exomes below 0.00001.
gnomAD v4.1: 2 of 1,614,194 alleles (0.00012%); highest among the groups gnomAD compares: Non-Finnish European, 0.00017%; no homozygotes.

Submission:

Centre for Mendelian Genomics, University Medical Centre Ljubljana
Classification: Uncertain significance for Neurodevelopmental disorder with or without anomalies of the brain, eye, or heart. Last evaluated: 2019-04-25. Review status: criteria provided, single submitter. Criteria: ACMG Guidelines, 2015. Collection method: clinical testing. Allele origin: unknown. Affected: yes.
Comment: This variant was classified as: Uncertain significance. The available evidence favors the pathogenic nature of this variant, however the currently available data is insufficient to conclusively support its pathogenic nature. Thus this variant is classified as Uncertain significance - favor pathogenic. The following ACMG criteria were applied in classifying this variant: PM2,PP3.

NM_001042681.2(RERE):c.241A>G (p.Lys81Glu)

Gene: RERE (arginine-glutamic acid dipeptide repeats; minus strand). Cytogenetic location: 1p36.23.
Variant type: single nucleotide variant.
Coding change: c.241A>G on transcript NM_001042681.2 (MANE Select); coding-DNA position 241, A replaced by G.
Protein change: p.Lys81Glu; replaces lysine 81 with glutamic acid.
Molecular consequence: missense variant.
Genome position (GRCh38, 1-based): chr1:8,656,057, T>C on the plus strand (A>G on the coding strand, the complement: RERE is on the minus strand). VCF-style: chr1-8656057-T-C. GRCh37 (hg19) VCF-style: chr1-8716116-T-C.
Other names: c.241A>G, p.Lys81Glu (NM_012102.4); short protein forms K81E.
Identifiers: ClinVar variation 930458 (VCV000930458.3), dbSNP rs1638277978, ClinGen allele CA338222816.
Genomic context (GRCh38, chr1:8,656,057, plus strand): 5'-CTTCAGTGATGTAGGATGTTATCTCACCGGTATCTGTCCTTTCATAACGAGACTTTTTTT[T>C]CGGTGGTTTCTTCTTATTCTTCTTCGTGGACTCCTCTGCGGTGGCACTATTGTTGTCATT-3'
Protein context (NP_001036146.1, residues 71-91): STKKNKKKPP[Lys81Glu]KKSRYERTDT